The following is an entry in ClinVar:

NM_017617.5(NOTCH1):c.7406C>T (p.Pro2469Leu)

Gene: NOTCH1 (notch receptor 1; minus strand). Cytogenetic location: 9q34.3.
Variant type: single nucleotide variant.
Coding change: c.7406C>T on transcript NM_017617.5 (MANE Select); coding-DNA position 7406, C replaced by T.
Protein change: p.Pro2469Leu; replaces proline 2469 with leucine.
Molecular consequence: missense variant.
Genome position (GRCh38, 1-based): chr9:136,496,333, G>A on the plus strand (C>T on the coding strand, the complement: NOTCH1 is on the minus strand). VCF-style: chr9-136496333-G-A. GRCh37 (hg19) VCF-style: chr9-139390785-G-A.
Other names: short protein forms P2469L.
Identifiers: ClinVar variation 3624705 (VCV003624705.2).
Genomic context (GRCh38, chr9:136,496,333, plus strand): 5'-CTGTGCTGCGAGGGGGGCGTCAGGAACTGGGCTGCGGTCACGGGTGGGACCAGCGAGGAT[G>A]GCAGCGACGTGGGCAGGGCGGGGCTCTCCTGGGGCAGAATAGTGTGCACCGCCAGGCTGC-3'
Protein context (NP_060087.3, residues 2459-2479): QESPALPTSL[Pro2469Leu]SSLVPPVTAA

ClinVar aggregate classification (germline): Uncertain significance (1 of 4 stars; one submission).

Conditions:
Adams-Oliver syndrome 5 (AOS5). Identifiers: Orphanet 974, MedGen C4014970, MONDO:0014459, OMIM 616028.

Submission:

Labcorp Genetics (formerly Invitae), Labcorp
Classification: Uncertain significance for Adams-Oliver syndrome 5. Last evaluated: 2024-08-05. Review status: criteria provided, single submitter. Criteria: Invitae Variant Classification Sherloc (09022015). Collection method: clinical testing. Allele origin: germline.
Comment: This sequence change replaces proline, which is neutral and non-polar, with leucine, which is neutral and non-polar, at codon 2469 of the NOTCH1 protein (p.Pro2469Leu). This variant is not present in population databases (gnomAD no frequency). This variant has not been reported in the literature in individuals affected with NOTCH1-related conditions. Advanced modeling of protein sequence and biophysical properties (such as structural, functional, and spatial information, amino acid conservation, physicochemical variation, residue mobility, and thermodynamic stability) performed at Invitae indicates that this missense variant is not expected to disrupt NOTCH1 protein function with a negative predictive value of 80%. In summary, the available evidence is currently insufficient to determine the role of this variant in disease. Therefore, it has been classified as a Variant of Uncertain Significance.